The following is an entry in ClinVar:

ClinVar aggregate classification (germline): Uncertain significance. Review status: criteria provided, multiple submitters, no conflicts (2 of 4 stars). 2 submissions from 2 submitters: Uncertain significance (2). Last evaluated 2025-09-05.

Conditions:
Multiple endocrine neoplasia, type 1 (MEN1). Also called: MEN I; WERMER SYNDROME; Endocrine adenomatosis multiple; MEN 1; MEA I. Identifiers: Orphanet 652, MedGen C0025267, MeSH D018761, MONDO:0007540, OMIM 131100.

Submissions (2):

Color Diagnostics, LLC DBA Color Health
Classification: Uncertain significance for Multiple endocrine neoplasia, type 1. Last evaluated: 2025-09-05. Review status: criteria provided, single submitter. Criteria: ACMG Guidelines, 2015. Collection method: clinical testing. Allele origin: germline.
Comment: This missense variant replaces leucine with glutamine at codon 375 of the MEN1 protein. Computational prediction suggests that this variant may have deleterious impact on protein structure and function. To our knowledge, functional studies have not been reported for this variant. This variant has not been reported in individuals affected with MEN1-related disorders in the literature. This variant has not been identified in the general population by the Genome Aggregation Database (gnomAD). The available evidence is insufficient to determine the role of this variant in disease conclusively. Therefore, this variant is classified as a Variant of Uncertain Significance.

Labcorp Genetics (formerly Invitae), Labcorp
Classification: Uncertain significance for Multiple endocrine neoplasia, type 1. Last evaluated: 2021-11-12. Review status: criteria provided, single submitter. Criteria: Invitae Variant Classification Sherloc (09022015). Collection method: clinical testing. Allele origin: germline.
Comment: This variant is not present in population databases (gnomAD no frequency). This sequence change replaces leucine, which is neutral and non-polar, with glutamine, which is neutral and polar, at codon 375 of the MEN1 protein (p.Leu375Gln). This variant has not been reported in the literature in individuals affected with MEN1-related conditions. ClinVar contains an entry for this variant (Variation ID: 960615). Advanced modeling of protein sequence and biophysical properties (such as structural, functional, and spatial information, amino acid conservation, physicochemical variation, residue mobility, and thermodynamic stability) performed at Invitae indicates that this missense variant is expected to disrupt MEN1 protein function. Algorithms developed to predict the effect of sequence changes on RNA splicing suggest that this variant may create or strengthen a splice site. In summary, the available evidence is currently insufficient to determine the role of this variant in disease. Therefore, it has been classified as a Variant of Uncertain Significance.

NM_001370259.2(MEN1):c.1124T>A (p.Leu375Gln)

Gene: MEN1 (menin 1; minus strand). Cytogenetic location: 11q13.1.
Variant type: single nucleotide variant.
Coding change: c.1124T>A on transcript NM_001370259.2 (MANE Select); coding-DNA position 1124, T replaced by A.
Protein change: p.Leu375Gln; replaces leucine 375 with glutamine.
Molecular consequence: missense variant.
Genome position (GRCh38, 1-based): chr11:64,805,696, A>T on the plus strand (T>A on the coding strand, the complement: MEN1 is on the minus strand). VCF-style: chr11-64805696-A-T. GRCh37 (hg19) VCF-style: chr11-64573168-A-T.
Other names: c.1139T>A, p.Leu380Gln (NM_000244.4, NM_130800.3, NM_130801.3 and 3 more transcripts); c.1250T>A, p.Leu417Gln (NM_001370251.2); c.1124T>A, p.Leu375Gln (NM_001370260.2, NM_001370261.2, NM_130799.3); c.1019T>A, p.Leu340Gln (NM_001370262.2, NM_001370263.2); short protein forms L340Q, L380Q, L375Q, L417Q.
Identifiers: ClinVar variation 960615 (VCV000960615.7), dbSNP rs1941668371, ClinGen allele CA381182436.